The following is an entry in ClinVar:

ClinVar aggregate classification (germline): Uncertain significance. Review status: criteria provided, multiple submitters, no conflicts (2 of 4 stars). 2 submissions from 2 submitters: Uncertain significance (2). Last evaluated 2025-08-01.

Conditions:
Long QT syndrome (LQTS). Identifiers: MedGen C0023976, MeSH D008133, MONDO:0002442. Disease mechanism: loss of function. Inheritance: Various modes of inheritance.

Submissions (2):

CeGaT Center for Human Genetics Tuebingen
Classification: Uncertain significance. Last evaluated: 2025-08-01. Review status: criteria provided, single submitter. Criteria: CeGaT Center For Human Genetics Tuebingen Variant Classification Criteria Version 2. Collection method: clinical testing. Allele origin: germline. Affected: yes. Observed: 1 variant allele.
Comment: ANK2: PM2, BP4

Labcorp Genetics (formerly Invitae), Labcorp
Classification: Uncertain significance for Long QT syndrome. Last evaluated: 2024-06-19. Review status: criteria provided, single submitter. Criteria: Invitae Variant Classification Sherloc (09022015). Collection method: clinical testing. Allele origin: germline.
Comment: This sequence change replaces glutamic acid, which is acidic and polar, with lysine, which is basic and polar, at codon 3658 of the ANK2 protein (p.Glu3658Lys). This variant is present in population databases (no rsID available, gnomAD 0.0009%). This variant has not been reported in the literature in individuals affected with ANK2-related conditions. An algorithm developed to predict the effect of missense changes on protein structure and function (PolyPhen-2) suggests that this variant is likely to be disruptive. In summary, the available evidence is currently insufficient to determine the role of this variant in disease. Therefore, it has been classified as a Variant of Uncertain Significance.

NM_001148.6(ANK2):c.10972G>A (p.Glu3658Lys)

Gene: ANK2 (ankyrin 2; plus strand). Cytogenetic location: 4q26.
Variant type: single nucleotide variant.
Coding change: c.10972G>A on transcript NM_001148.6 (MANE Select); coding-DNA position 10972, G replaced by A.
Protein change: p.Glu3658Lys; replaces glutamic acid 3658 with lysine.
Molecular consequence: missense variant.
Genome position (GRCh38, 1-based): chr4:113,365,122, G>A. VCF-style: chr4-113365122-G-A. GRCh37 (hg19) VCF-style: chr4-114286278-G-A.
Other names: c.2266G>A, p.Glu756Lys (NM_001354280.2); c.2245G>A, p.Glu749Lys (NM_001354281.2, NM_001354278.2); c.2281G>A, p.Glu761Lys (NM_001354282.2, NM_001354279.2); c.10738G>A, p.Glu3580Lys (NM_001386142.1); c.4654G>A, p.Glu1552Lys (NM_001386143.1, NM_001354243.2, NM_001354255.2); c.4762G>A, p.Glu1588Lys (NM_001386144.1, NM_001354240.2, NM_001354241.2); c.4498G>A, p.Glu1500Lys (NM_001386146.1, NM_001386149.1, NM_001386150.1 and 1 more transcripts); c.4543G>A, p.Glu1515Lys (NM_001386147.1); and 35 more; short protein forms E1502K, E1507K, E1521K, E1528K, E1540K, E1563K, E1568K, E1577K.
Identifiers: ClinVar variation 2879632 (VCV002879632.11), dbSNP rs1488355875, ClinGen allele CA357941655.
Genomic context (GRCh38, chr4:113,365,122, plus strand): 5'-ACCAAGATCAACCGAATGGATATTGTTCATCTCATGGAGACCAACACAGAACCTCTCCAG[G>A]AGCGCATCAGTCATAGTTATGCAGAAATTGAACAGACCATTACACTGGATCATAGTGAAG-3'
Protein context (NP_001139.3, residues 3648-3668): LMETNTEPLQ[Glu3658Lys]RISHSYAEIE